The following is an entry in ClinVar:

NM_020975.6(RET):c.2730+5C>T

Gene: RET (ret proto-oncogene; plus strand). Cytogenetic location: 10q11.21.
Variant type: single nucleotide variant.
Coding change: c.2730+5C>T on transcript NM_020975.6 (MANE Select); 5 bases into the intron after coding-DNA position 2730, C replaced by T.
Molecular consequence: intron variant.
Genome position (GRCh38, 1-based): chr10:43,120,208, C>T. VCF-style: chr10-43120208-C-T. GRCh37 (hg19) VCF-style: chr10-43615656-C-T.
Other names: c.2730+5C>T (NM_020630.7, NM_001406743.1, NM_001406744.1 and 2 more transcripts); c.2595+5C>T (NM_001406765.1, NM_001406763.1); c.2334+5C>T (NM_001406772.1, NM_001406769.1); c.2292+5C>T (NM_001406773.1, NM_001406771.1); c.1833+5C>T (NM_001406782.1, NM_001406780.1, NM_001406779.1 and 1 more transcripts); c.1698+5C>T (NM_001406787.1); c.1713+5C>T (NM_001406785.1); c.2601+5C>T (NM_001406764.1, NM_001406762.1, NM_001406761.1); and 10 more.
Identifiers: ClinVar variation 219889 (VCV000219889.6), dbSNP rs864622296, ClinGen allele CA348514.

ClinVar aggregate classification (germline): Uncertain significance (1 of 4 stars; one submission).

Conditions:
Multiple endocrine neoplasia, type 2 (MEN2). Identifiers: Orphanet 653, MedGen C4048306, MONDO:0019003. Disease mechanism: gain of function.

Submission:

Labcorp Genetics (formerly Invitae), Labcorp
Classification: Uncertain significance for Multiple endocrine neoplasia, type 2. Last evaluated: 2025-11-03. Review status: criteria provided, single submitter. Criteria: Invitae Variant Classification Sherloc (09022015). Collection method: clinical testing. Allele origin: germline.
Comment: This sequence change falls in intron 15 of the RET gene. It does not directly change the encoded amino acid sequence of the RET protein. It affects a nucleotide within the consensus splice site. This variant is not present in population databases (gnomAD no frequency). This variant has not been reported in the literature in individuals affected with RET-related conditions. ClinVar contains an entry for this variant (Variation ID: 219889). Variants that disrupt the consensus splice site are a relatively common cause of aberrant splicing (PMID: 17576681, 9536098). Algorithms developed to predict the effect of sequence changes on RNA splicing suggest that this variant is not likely to affect RNA splicing. In summary, the available evidence is currently insufficient to determine the role of this variant in disease. Therefore, it has been classified as a Variant of Uncertain Significance.

Literature cited by the submitters: PubMed 17576681; PubMed 9536098.